The following is an entry in ClinVar:

NM_002334.4(LRP4):c.2866G>T (p.Glu956Ter)

Gene: LRP4 (LDL receptor related protein 4; minus strand). Cytogenetic location: 11p11.2.
Variant type: single nucleotide variant.
Coding change: c.2866G>T on transcript NM_002334.4 (MANE Select); coding-DNA position 2866, G replaced by T.
Protein change: p.Glu956Ter; replaces glutamic acid 956 with a stop codon.
Molecular consequence: nonsense.
Genome position (GRCh38, 1-based): chr11:46,879,264, C>A on the plus strand (G>T on the coding strand, the complement: LRP4 is on the minus strand). VCF-style: chr11-46879264-C-A. GRCh37 (hg19) VCF-style: chr11-46900815-C-A.
Other names: short protein forms E956*.
Identifiers: ClinVar variation 576661 (VCV000576661.6), dbSNP rs1565785959, ClinGen allele CA380277552.

ClinVar aggregate classification (germline): Pathogenic (1 of 4 stars; one submission).

Conditions:
Cenani-Lenz syndactyly syndrome. Also called: CENANI SYNDACTYLISM; SYNDACTYLY, TYPE VII. Identifiers: Orphanet 3258, MedGen C1859309, MONDO:0008931, OMIM 212780.
Congenital myasthenic syndrome 17. Identifiers: Orphanet 590, MedGen C4225377, MONDO:0014578, OMIM 616304.
Sclerosteosis 2 (SOST2). Identifiers: Orphanet 3152, MedGen C3280402, MONDO:0013679, OMIM 614305.

Submission:

Labcorp Genetics (formerly Invitae), Labcorp
Classification: Pathogenic for Cenani-Lenz syndactyly syndrome; Sclerosteosis 2; Congenital myasthenic syndrome 17. Last evaluated: 2017-11-09. Review status: criteria provided, single submitter. Criteria: Invitae Variant Classification Sherloc (09022015). Collection method: clinical testing. Allele origin: germline.
Comment: For these reasons, this variant has been classified as Pathogenic. Loss-of-function variants in LRP4 are known to be pathogenic (PMID: 23636941, 24924585). This variant has not been reported in the literature in individuals with LRP4-related disease. This variant is not present in population databases (ExAC no frequency). This sequence change creates a premature translational stop signal (p.Glu956*) in the LRP4 gene. It is expected to result in an absent or disrupted protein product.

Literature cited by the submitters: PubMed 23636941; PubMed 24924585.